The following is an entry in ClinVar:

ClinVar aggregate classification (germline): Conflicting classifications of pathogenicity. Review status: criteria provided, conflicting classifications (1 of 4 stars). 4 submissions from 4 submitters: Uncertain significance (2); Likely benign (1). 1 of the submissions does not count toward it. Last evaluated 2026-09-22.

Conditions:
CDH23-related disorder. Also called: CDH23-related disorders; CDH23-related condition.
Usher syndrome type 1 (USH1). Also called: RETINITIS PIGMENTOSA AND CONGENITAL DEAFNESS. Identifiers: Orphanet 231169, Orphanet 886, MedGen C1568247, MONDO:0010168, OMIM 276900.

Allele frequency attached by ClinVar (database versions not stated): gnomAD exomes 0.00004; 1000 Genomes Project 30x 0.00047; ESP Exome Variant Server 0.00008; 1000 Genomes Project 0.00040; ExAC 0.00005; gnomAD 0.00017 and 0.00019; TOPMed 0.00022.
gnomAD v4.1: 65 of 1,606,954 alleles (0.004%); highest among the groups gnomAD compares: African/African-American, 0.061%; no homozygotes.

Submissions (4):

PreventionGenetics, part of Exact Sciences
Classification: Uncertain significance for CDH23-related condition. Last evaluated: 2026-09-22. Review status: criteria provided, single submitter. Criteria: ACMG Guidelines, 2015. Collection method: clinical testing. Allele origin: germline.
Comment: The CDH23 c.4040C>T variant is predicted to result in the amino acid substitution p.Thr1347Met. To our knowledge, this variant has not been reported in the literature. This variant is reported in 0.066% of alleles in individuals of African descent in gnomAD. Although we suspect that this variant may be benign, at this time, the clinical significance of this variant is uncertain due to the absence of conclusive functional and genetic evidence.

GeneDx
Classification: Uncertain significance. Last evaluated: 2026-08-25. Review status: criteria provided, single submitter. Criteria: GeneDx Variant Classification Process June 2021. Collection method: clinical testing. Allele origin: germline.
Comment: In silico analysis supports that this missense variant has a deleterious effect on protein structure/function; Has not been previously published as pathogenic or benign to our knowledge

Labcorp Genetics (formerly Invitae), Labcorp
Classification: Likely benign. Last evaluated: 2025-12-23. Review status: criteria provided, single submitter. Criteria: Invitae Variant Classification Sherloc (09022015). Collection method: clinical testing. Allele origin: germline.

Natera, Inc.
Classification: Uncertain significance for Usher syndrome type 1. Last evaluated: 2020-01-17. Review status: no assertion criteria provided. Collection method: clinical testing. Allele origin: germline. Not counted in ClinVar's aggregate classification.

NM_022124.6(CDH23):c.4040C>T (p.Thr1347Met)

Genes: C10orf105 (chromosome 10 open reading frame 105; minus strand), CDH23 (cadherin related 23; plus strand). Cytogenetic location: 10q22.1.
Variant type: single nucleotide variant.
Coding change: c.4040C>T on transcript NM_022124.6 (MANE Select); coding-DNA position 4040, C replaced by T.
Protein change: p.Thr1347Met; replaces threonine 1347 with methionine.
Molecular consequence: missense variant. On other transcripts: intron variant (1).
Genome position (GRCh38, 1-based): chr10:71,732,311, C>T. VCF-style: chr10-71732311-C-T. GRCh37 (hg19) VCF-style: chr10-73492068-C-T.
Other names: c.4040C>T, p.Thr1347Met (NM_001171930.2); c.-6+5417G>A (NM_001168390.2); short protein forms T1347M.
Identifiers: ClinVar variation 857597 (VCV000857597.11), dbSNP rs371125497, ClinGen allele CA5544892.
Genomic context (GRCh38, chr10:71,732,311, plus strand): 5'-CACTGGGTACTGAGATTGTGCGGGTCCAGGCCTACTCCATCGACAACCTCAACCAAATCA[C>T]GTACCGCTTCAACGCCTACACCAGCACCCAGGCCAAAGCCCTCTTCAAGATAGACGCCAT-3'
Protein context (NP_071407.4, residues 1337-1357): AYSIDNLNQI[Thr1347Met]YRFNAYTSTQ